The following is an entry in ClinVar:

NM_176824.3(BBS7):c.1123G>A (p.Ala375Thr)

Gene: BBS7 (Bardet-Biedl syndrome 7; minus strand). Cytogenetic location: 4q27.
Variant type: single nucleotide variant.
Coding change: c.1123G>A on transcript NM_176824.3 (MANE Select); coding-DNA position 1123, G replaced by A.
Protein change: p.Ala375Thr; replaces alanine 375 with threonine.
Molecular consequence: missense variant.
Genome position (GRCh38, 1-based): chr4:121,845,611, C>T on the plus strand (G>A on the coding strand, the complement: BBS7 is on the minus strand). VCF-style: chr4-121845611-C-T. GRCh37 (hg19) VCF-style: chr4-122766766-C-T.
Other names: c.1123G>A, p.Ala375Thr (NM_018190.4); short protein forms A375T.
Identifiers: ClinVar variation 4984746 (VCV004984746.1).

ClinVar aggregate classification (germline): Uncertain significance (1 of 4 stars; one submission).

Conditions:
BBS7-related disorder. Also called: BBS7-related condition.

gnomAD v4.1: 1 of 1,612,808 alleles (0.000062%); highest among the groups gnomAD compares: Non-Finnish European, 0.000085%; no homozygotes.

Submission:

PreventionGenetics, part of Exact Sciences
Classification: Uncertain significance for BBS7-related condition. Last evaluated: 2026-07-28. Review status: criteria provided, single submitter. Criteria: ACMG Guidelines, 2015. Collection method: clinical testing. Allele origin: germline.
Comment: The BBS7 c.1123G>A variant is predicted to result in the amino acid substitution p.Ala375Thr. To our knowledge, this variant has not been reported in the literature. This variant is reported in 0.00088% of alleles in individuals of European (Non-Finnish) descent in gnomAD. At this time, the clinical significance of this variant is uncertain due to the absence of conclusive functional and genetic evidence.